The following is an entry in ClinVar:

ClinVar aggregate classification (germline): Benign/Likely benign. Review status: criteria provided, multiple submitters, no conflicts (2 of 4 stars). 3 submissions from 3 submitters: Benign (1); Likely benign (1). 1 of the submissions does not count toward it. Last evaluated 2025-12-08.

Conditions:
CNOT3-related disorder. Also called: CNOT3-related condition.

Allele frequency attached by ClinVar (database versions not stated): ExAC 0.00029; gnomAD 0.00038; TOPMed 0.00039; ESP Exome Variant Server 0.00042; 1000 Genomes Project 0.00060; 1000 Genomes Project 30x 0.00078.
gnomAD v4.1: 313 of 1,566,244 alleles (0.02%); highest among the groups gnomAD compares: African/African-American, 0.085%; no homozygotes.

Submissions (3):

Labcorp Genetics (formerly Invitae), Labcorp
Classification: Benign. Last evaluated: 2025-12-08. Review status: criteria provided, single submitter. Criteria: Invitae Variant Classification Sherloc (09022015). Collection method: clinical testing. Allele origin: germline.

CeGaT Center for Human Genetics Tuebingen
Classification: Likely benign. Last evaluated: 2024-08-01. Review status: criteria provided, single submitter. Criteria: CeGaT Center For Human Genetics Tuebingen Variant Classification Criteria Version 2. Collection method: clinical testing. Allele origin: germline. Affected: yes. Observed: 1 variant allele.
Comment: CNOT3: BP4, BP7

PreventionGenetics, part of Exact Sciences
Classification: Likely benign for CNOT3-related condition. Last evaluated: 2019-10-28. Review status: no assertion criteria provided. Collection method: clinical testing. Allele origin: germline. Not counted in ClinVar's aggregate classification.
Comment: This variant is classified as likely benign based on ACMG/AMP sequence variant interpretation guidelines (Richards et al. 2015 PMID: 25741868, with internal and published modifications).

NM_014516.4(CNOT3):c.1188C>T (p.Ser396=)

Gene: CNOT3 (CCR4-NOT transcription complex subunit 3; plus strand). Cytogenetic location: 19q13.42.
Variant type: single nucleotide variant.
Coding change: c.1188C>T on transcript NM_014516.4 (MANE Select); coding-DNA position 1188, C replaced by T.
Protein change: p.Ser396=; no amino-acid change (serine 396 retained).
Molecular consequence: synonymous variant.
Genome position (GRCh38, 1-based): chr19:54,148,441, C>T. VCF-style: chr19-54148441-C-T. GRCh37 (hg19) VCF-style: chr19-54652176-C-T.
Other names: c.1188C>T (NM_014516.3).
Identifiers: ClinVar variation 1973023 (VCV001973023.22), dbSNP rs370903869, ClinGen allele CA309339624.